The following is an entry in ClinVar:

ClinVar aggregate classification (germline): Uncertain significance (1 of 4 stars; one submission).

Submission:

GeneDx
Classification: Uncertain significance. Last evaluated: 2021-05-07. Review status: criteria provided, single submitter. Criteria: GeneDx Variant Classification Process June 2021. Collection method: clinical testing. Allele origin: germline. Affected: yes.
Comment: Not observed in large population cohorts (Lek et al., 2016); In silico analysis supports that this missense variant does not alter protein structure/function; Has not been previously published as pathogenic or benign to our knowledge

NM_001080517.3(SETD5):c.3307A>G (p.Ser1103Gly)

Gene: SETD5 (SET domain containing 5; plus strand). Cytogenetic location: 3p25.3.
Variant type: single nucleotide variant.
Coding change: c.3307A>G on transcript NM_001080517.3 (MANE Select); coding-DNA position 3307, A replaced by G.
Protein change: p.Ser1103Gly; replaces serine 1103 with glycine.
Molecular consequence: missense variant.
Genome position (GRCh38, 1-based): chr3:9,473,347, A>G. VCF-style: chr3-9473347-A-G. GRCh37 (hg19) VCF-style: chr3-9515031-A-G.
Other names: c.3013A>G, p.Ser1005Gly (NM_001292043.2, NM_001349451.2); short protein forms S1005G, S1103G.
Identifiers: ClinVar variation 1320682 (VCV001320682.2), dbSNP rs2125606858, ClinGen allele CA351685549.